The following is an entry in ClinVar:

NM_004990.4(MARS1):c.1598C>G (p.Thr533Arg)

Gene: MARS1 (methionyl-tRNA synthetase 1; plus strand). Cytogenetic location: 12q13.3.
Variant type: single nucleotide variant.
Coding change: c.1598C>G on transcript NM_004990.4 (MANE Select); coding-DNA position 1598, C replaced by G.
Protein change: p.Thr533Arg; replaces threonine 533 with arginine.
Molecular consequence: missense variant.
Genome position (GRCh38, 1-based): chr12:57,512,066, C>G. VCF-style: chr12-57512066-C-G. GRCh37 (hg19) VCF-style: chr12-57905849-C-G.
Other names: short protein forms T533R.
Identifiers: ClinVar variation 2009160 (VCV002009160.4), dbSNP rs1877548133, ClinGen allele CA385461843.

ClinVar aggregate classification (germline): Uncertain significance (1 of 4 stars; one submission).

Conditions:
Severe early-onset pulmonary alveolar proteinosis due to MARS deficiency. Also called: Interstitial lung and liver disease; PULMONARY ALVEOLAR PROTEINOSIS, REUNION ISLAND. Identifiers: Orphanet 440427, MedGen C4225400, MONDO:0014206, OMIM 615486.
Charcot-Marie-Tooth disease axonal type 2U. Also called: CHARCOT-MARIE-TOOTH NEUROPATHY, TYPE 2U; CHARCOT-MARIE-TOOTH DISEASE, AXONAL, AUTOSOMAL DOMINANT, TYPE 2U. Identifiers: Orphanet 397735, MedGen C4084821, MONDO:0014566, OMIM 616280.

Submission:

Labcorp Genetics (formerly Invitae), Labcorp
Classification: Uncertain significance for Charcot-Marie-Tooth disease axonal type 2U; Severe early-onset pulmonary alveolar proteinosis due to MARS deficiency. Last evaluated: 2022-06-22. Review status: criteria provided, single submitter. Criteria: Invitae Variant Classification Sherloc (09022015). Collection method: clinical testing. Allele origin: germline.
Comment: In summary, the available evidence is currently insufficient to determine the role of this variant in disease. Therefore, it has been classified as a Variant of Uncertain Significance. Algorithms developed to predict the effect of missense changes on protein structure and function (SIFT, PolyPhen-2, Align-GVGD) all suggest that this variant is likely to be disruptive. This variant has not been reported in the literature in individuals affected with MARS-related conditions. This variant is not present in population databases (gnomAD no frequency). This sequence change replaces threonine, which is neutral and polar, with arginine, which is basic and polar, at codon 533 of the MARS protein (p.Thr533Arg).